The following is an entry in ClinVar:

NM_000891.3(KCNJ2):c.*79C>T

Gene: KCNJ2 (potassium inwardly rectifying channel subfamily J member 2; plus strand). Cytogenetic location: 17q24.3.
Variant type: single nucleotide variant.
Coding change: c.*79C>T on transcript NM_000891.3 (MANE Select); 79 bases downstream of the stop codon, C replaced by T.
Molecular consequence: 3 prime UTR variant.
Genome position (GRCh38, 1-based): chr17:70,176,402, C>T. VCF-style: chr17-70176402-C-T. GRCh37 (hg19) VCF-style: chr17-68172543-C-T.
Identifiers: ClinVar variation 324833 (VCV000324833.8), dbSNP rs55970278, ClinGen allele CA10649957.

ClinVar aggregate classification (germline): Conflicting classifications of pathogenicity. Review status: criteria provided, conflicting classifications (1 of 4 stars). 4 submissions from 2 submitters: Uncertain significance (1); Benign (3). Last evaluated 2018-01-13.

Conditions:
Atrial fibrillation, familial, 9 (ATFB9). Identifiers: MedGen C3151431, MONDO:0013513, OMIM 613980.
Short QT syndrome type 3. Identifiers: Orphanet 51083, MedGen C1865018, MONDO:0012314, OMIM 609622.
Andersen Tawil syndrome (LQT7). Also called: Potassium-sensitive periodic paralysis, ventricular ectopy, and dysmorphic features; ANDERSEN CARDIODYSRHYTHMIC PERIODIC PARALYSIS; LONG QT SYNDROME 7; PERIODIC PARALYSIS, POTASSIUM-SENSITIVE CARDIODYSRHYTHMIC TYPE; Andersen Syndrome. Identifiers: Orphanet 37553, MedGen C1563715, MONDO:0008222, OMIM 170390.

Allele frequency attached by ClinVar (database versions not stated): 1000 Genomes Project 0.00080; 1000 Genomes Project 30x 0.00094; gnomAD 0.00273 and 0.00327; TOPMed 0.00295; gnomAD exomes 0.00393.
gnomAD v4.1: 5,060 of 1,334,068 alleles (0.38%); highest among the groups gnomAD compares: Non-Finnish European, 0.47%; 21 homozygotes.

Submissions (4):

Illumina Laboratory Services, Illumina
Classification: Benign for Short QT syndrome type 3. Last evaluated: 2018-01-13. Review status: criteria provided, single submitter. Criteria: ICSL Variant Classification Criteria 13 December 2019. Collection method: clinical testing. Allele origin: germline.
Comment: This variant was observed in the ICSL laboratory as part of a predisposition screen in an ostensibly healthy population. It had not been previously curated by ICSL or reported in the Human Gene Mutation Database (HGMD: prior to June 1st, 2018), and was therefore a candidate for classification through an automated scoring system. Utilizing variant allele frequency, disease prevalence and penetrance estimates, and inheritance mode, an automated score was calculated to assess if this variant is too frequent to cause the disease. Based on the score and internal cut-off values, a variant classified as benign is not then subjected to further curation. The score for this variant resulted in a classification of benign for this disease.

Illumina Laboratory Services, Illumina
Classification: Uncertain significance for Atrial fibrillation, familial, 9. Last evaluated: 2018-01-13. Review status: criteria provided, single submitter. Criteria: ICSL Variant Classification Criteria 13 December 2019. Collection method: clinical testing. Allele origin: germline.

Illumina Laboratory Services, Illumina
Classification: Benign for Andersen Tawil syndrome. Last evaluated: 2018-01-13. Review status: criteria provided, single submitter. Criteria: ICSL Variant Classification Criteria 13 December 2019. Collection method: clinical testing. Allele origin: germline.
Comment: the same text as in the submission from Illumina Laboratory Services, Illumina above.

GeneDx
Classification: Benign. Last evaluated: 2015-03-03. Review status: criteria provided, single submitter. Criteria: GeneDx Variant Classification Process June 2021. Collection method: clinical testing. Allele origin: germline. Affected: yes.